The following is an entry in ClinVar:

ClinVar aggregate classification (germline): Uncertain significance. Review status: criteria provided, multiple submitters, no conflicts (2 of 4 stars). 2 submissions from 2 submitters: Uncertain significance (2). Last evaluated 2024-09-09.

Conditions:
RASopathy. Also called: Noonan spectrum disorder; rasopathies. Identifiers: Orphanet 536391, MedGen C5555857, MONDO:0021060.

Allele frequency attached by ClinVar (database versions not stated): TOPMed below 0.00001; ExAC 0.00001; gnomAD exomes 0.00001.
gnomAD v4.1: 8 of 1,613,392 alleles (0.0005%); highest among the groups gnomAD compares: South Asian, 0.0011%; no homozygotes.

Submissions (2):

Labcorp Genetics (formerly Invitae), Labcorp
Classification: Uncertain significance for RASopathy. Last evaluated: 2024-09-09. Review status: criteria provided, single submitter. Criteria: Invitae Variant Classification Sherloc (09022015). Collection method: clinical testing. Allele origin: germline.
Comment: This sequence change replaces arginine, which is basic and polar, with tryptophan, which is neutral and slightly polar, at codon 682 of the BRAF protein (p.Arg682Trp). This variant is present in population databases (rs776664982, gnomAD 0.01%). This variant has not been reported in the literature in individuals affected with BRAF-related conditions. ClinVar contains an entry for this variant (Variation ID: 2499058). Invitae Evidence Modeling of protein sequence and biophysical properties (such as structural, functional, and spatial information, amino acid conservation, physicochemical variation, residue mobility, and thermodynamic stability) indicates that this missense variant is not expected to disrupt BRAF protein function with a negative predictive value of 80%. In summary, the available evidence is currently insufficient to determine the role of this variant in disease. Therefore, it has been classified as a Variant of Uncertain Significance.

CeGaT Center for Human Genetics Tuebingen
Classification: Uncertain significance. Last evaluated: 2023-03-01. Review status: criteria provided, single submitter. Criteria: CeGaT Center For Human Genetics Tuebingen Variant Classification Criteria Version 2. Collection method: clinical testing. Allele origin: germline. Affected: yes. Observed: 1 variant allele.
Comment: BRAF: PM2, PP2, PP3, BP5

NM_004333.6(BRAF):c.2044C>T (p.Arg682Trp)

Gene: BRAF (B-Raf proto-oncogene, serine/threonine kinase; minus strand). Cytogenetic location: 7q34.
Variant type: single nucleotide variant.
Coding change: c.2044C>T on transcript NM_004333.6 (MANE Select); coding-DNA position 2044, C replaced by T.
Protein change: p.Arg682Trp; replaces arginine 682 with tryptophan.
Molecular consequence: missense variant.
Genome position (GRCh38, 1-based): chr7:140,739,895, G>A on the plus strand (C>T on the coding strand, the complement: BRAF is on the minus strand). VCF-style: chr7-140739895-G-A. GRCh37 (hg19) VCF-style: chr7-140439695-G-A.
Other names: c.2044C>T, p.Arg682Trp (NM_001354609.2, NM_001378468.1, NM_001378474.1); c.2164C>T, p.Arg722Trp (NM_001374244.1, NM_001374258.1); c.2053C>T, p.Arg685Trp (NM_001378467.1); c.1978C>T, p.Arg660Trp (NM_001378469.1); c.1942C>T, p.Arg648Trp (NM_001378470.1); c.1933C>T, p.Arg645Trp (NM_001378471.1); c.1888C>T, p.Arg630Trp (NM_001378472.1, NM_001378473.1); c.1780C>T, p.Arg594Trp (NM_001378475.1); short protein forms R594W, R630W, R645W, R648W, R660W, R682W, R685W, R722W.
Identifiers: ClinVar variation 2499058 (VCV002499058.31), dbSNP rs776664982, ClinGen allele CA4516597.
Genomic context (GRCh38, chr7:140,739,895, plus strand): 5'-CTCTTTTCTTTTTGAGGCACTCTGCCATTAATCTCTTCATGGCTTTTGGACAGTTACTCC[G>A]TACCTTACTGAGATCTGGAGACAGGTATCCTCGTCCCACCATAAAAATTATCTGGAGAGA-3'
Protein context (NP_004324.2, residues 672-692): GYLSPDLSKV[Arg682Trp]SNCPKAMKRL